The following is an entry in ClinVar:

ClinVar aggregate classification (germline): Uncertain significance (1 of 4 stars; one submission).

Conditions:
Inborn genetic diseases. Identifiers: MedGen C0950123, MeSH D030342.

Submission:

Ambry Genetics
Classification: Uncertain significance for Inborn genetic diseases. Last evaluated: 2026-05-27. Review status: criteria provided, single submitter. Criteria: Ambry Variant Classification Scheme 2023. Collection method: clinical testing. Allele origin: germline.
Comment: The p.A435V variant (also known as c.1304C>T), located in coding exon 11 of the KDM1A gene, results from a C to T substitution at nucleotide position 1304. The alanine at codon 435 is replaced by valine, an amino acid with similar properties. This amino acid position is conserved. In addition, the in silico prediction for this alteration is inconclusive. Based on the available evidence, the clinical significance of this variant remains unclear.

NM_001009999.3(KDM1A):c.1304C>T (p.Ala435Val)

Gene: KDM1A (lysine demethylase 1A; plus strand). Cytogenetic location: 1p36.12.
Variant type: single nucleotide variant.
Coding change: c.1304C>T on transcript NM_001009999.3 (MANE Select); coding-DNA position 1304, C replaced by T.
Protein change: p.Ala435Val; replaces alanine 435 with valine.
Molecular consequence: missense variant.
Genome position (GRCh38, 1-based): chr1:23,068,663, C>T. VCF-style: chr1-23068663-C-T. GRCh37 (hg19) VCF-style: chr1-23395156-C-T.
Other names: c.1232C>T, p.Ala411Val (NM_001363654.2, NM_001410763.1, NM_015013.4); c.1292C>T, p.Ala431Val (NM_001410762.1); short protein forms A411V, A431V, A435V.
Identifiers: ClinVar variation 4858748 (VCV004858748.1).
Genomic context (GRCh38, chr1:23,068,663, plus strand): 5'-ACCTTAGTCATCAACTAGACTTCAATGTCCTCAATAATAAGCCTGTGTCCCTTGGCCAGG[C>T]ATTGGAAGTTGTCATTCAGTAAGTACTTTGATACTGCTTATTGTATAGTGAGTTCCATGT-3'
Protein context (NP_001009999.1, residues 425-445): LNNKPVSLGQ[Ala435Val]LEVVIQLQEK